The following is an entry in ClinVar:

NM_032043.3(BRIP1):c.985C>T (p.Gln329Ter)

Gene: BRIP1 (BRCA1 interacting DNA helicase 1; minus strand). Cytogenetic location: 17q23.2.
Variant type: single nucleotide variant.
Coding change: c.985C>T on transcript NM_032043.3 (MANE Select); coding-DNA position 985, C replaced by T.
Protein change: p.Gln329Ter; replaces glutamine 329 with a stop codon.
Molecular consequence: nonsense.
Genome position (GRCh38, 1-based): chr17:61,801,408, G>A on the plus strand (C>T on the coding strand, the complement: BRIP1 is on the minus strand). VCF-style: chr17-61801408-G-A. GRCh37 (hg19) VCF-style: chr17-59878769-G-A.
Other names: short protein forms Q329*.
Identifiers: ClinVar variation 936751 (VCV000936751.26), dbSNP rs2077991700, ClinGen allele CA400484175.

ClinVar aggregate classification (germline): Pathogenic. Review status: criteria provided, multiple submitters, no conflicts (2 of 4 stars). 3 submissions from 3 submitters: Pathogenic (2). 1 of the submissions does not count toward it. Last evaluated 2026-06-30.

Conditions:
Gastric cancer. Also called: Stomach cancer; Malignant tumor of stomach. Identifiers: MedGen C0024623, MeSH D013274, MONDO:0001056, OMIM 613659, HP:0012126.
Fanconi anemia complementation group J. Also called: BRIP1-Related Fanconi Anemia. Identifiers: Orphanet 84, MedGen C1836860, MONDO:0012187, OMIM 609054.
Familial cancer of breast. Also called: BREAST CANCER, FAMILIAL; Hereditary breast cancer; hereditary breast carcinoma. Identifiers: Orphanet 227535, MedGen C0346153, MONDO:0016419, OMIM 114480. Disease mechanism: loss of function.
Familial ovarian cancer. Identifiers: MedGen C5679802, MONDO:0016248.

Allele frequency attached by ClinVar (database versions not stated): gnomAD exomes below 0.00001.
gnomAD v4.1: 1 of 1,613,852 alleles (0.000062%); highest among the groups gnomAD compares: East Asian, 0.0022%; no homozygotes.

Submissions (3):

Myriad Genetics, Inc.
Classification: Pathogenic for Familial ovarian cancer. Last evaluated: 2026-06-30. Review status: criteria provided, single submitter. Criteria: Myriad Autosomal Dominant, Autosomal Recessive and X-Linked Classification Criteria (2023). Collection method: clinical testing. Allele origin: unknown.
Comment: This variant is considered pathogenic. This variant creates a termination codon and is predicted to result in premature protein truncation.

Labcorp Genetics (formerly Invitae), Labcorp
Classification: Pathogenic for Familial cancer of breast; Fanconi anemia complementation group J. Last evaluated: 2024-11-24. Review status: criteria provided, single submitter. Criteria: Invitae Variant Classification Sherloc (09022015). Collection method: clinical testing. Allele origin: germline.
Comment: This sequence change creates a premature translational stop signal (p.Gln329*) in the BRIP1 gene. It is expected to result in an absent or disrupted protein product. Loss-of-function variants in BRIP1 are known to be pathogenic (PMID: 16116423, 17033622, 21964575). This variant is not present in population databases (gnomAD no frequency). This premature translational stop signal has been observed in individual(s) with prostate cancer (PMID: 31214711). ClinVar contains an entry for this variant (Variation ID: 936751). Algorithms developed to predict the effect of sequence changes on RNA splicing suggest that this variant may disrupt the consensus splice site. For these reasons, this variant has been classified as Pathogenic.

Laboratory for Genotyping Development, RIKEN
Classification: Pathogenic for Gastric cancer. Last evaluated: 2021-07-01. Review status: no assertion criteria provided. Collection method: research. Allele origin: germline. Not counted in ClinVar's aggregate classification.

Literature cited by the submitters: PubMed 16116423 (cited by Labcorp Genetics (formerly Invitae), Labcorp); PubMed 17033622 (cited by Labcorp Genetics (formerly Invitae), Labcorp); PubMed 21964575 (cited by Labcorp Genetics (formerly Invitae), Labcorp); PubMed 31214711 (cited by Labcorp Genetics (formerly Invitae), Labcorp); PubMed 36988593 (cited by Laboratory for Genotyping Development, RIKEN).